The following is an entry in ClinVar:

NM_000548.5(TSC2):c.5093G>C (p.Ser1698Thr)

Gene: TSC2 (TSC complex subunit 2; plus strand). Cytogenetic location: 16p13.3.
Variant type: single nucleotide variant.
Coding change: c.5093G>C on transcript NM_000548.5 (MANE Select); coding-DNA position 5093, G replaced by C.
Protein change: p.Ser1698Thr; replaces serine 1698 with threonine.
Molecular consequence: missense variant.
Genome position (GRCh38, 1-based): chr16:2,088,072, G>C. VCF-style: chr16-2088072-G-C. GRCh37 (hg19) VCF-style: chr16-2138073-G-C.
Other names: c.4892G>C, p.Ser1631Thr (NM_001077183.3); c.5024G>C, p.Ser1675Thr (NM_001114382.3); c.4784G>C, p.Ser1595Thr (NM_001318827.2); c.4748G>C, p.Ser1583Thr (NM_001318829.2); c.4361G>C, p.Ser1454Thr (NM_001318831.2); c.4925G>C, p.Ser1642Thr (NM_001318832.2); c.4895G>C, p.Ser1632Thr (NM_001363528.2); c.4961G>C, p.Ser1654Thr (NM_001370404.1); and 1 more; short protein forms S1698T, S1631T, S1632T, S1655T, S1454T, S1583T, S1595T, S1642T.
Identifiers: ClinVar variation 578397 (VCV000578397.12), dbSNP rs1267700080, ClinGen allele CA394312131.

ClinVar aggregate classification (germline): Uncertain significance. Review status: criteria provided, multiple submitters, no conflicts (2 of 4 stars). 3 submissions from 3 submitters: Uncertain significance (3). Last evaluated 2025-05-12.

Conditions:
Hereditary cancer-predisposing syndrome. Also called: Hereditary neoplastic syndrome; Tumor predisposition; Hereditary Cancer Syndrome; Neoplastic Syndromes, Hereditary. Identifiers: Orphanet 140162, MedGen C0027672, MeSH D009386, MONDO:0015356.
Tuberous sclerosis 2 (TSC2). Identifiers: Orphanet 805, MedGen C1860707, MONDO:0013199, OMIM 613254.
Isolated focal cortical dysplasia type II (FCORD2). Also called: Focal cortical dysplasia type II; CORTICAL DYSPLASIA OF TAYLOR. Identifiers: Orphanet 268994, MedGen C1846385, MONDO:0011818, OMIM 607341, HP:0032051.

Submissions (3):

Labcorp Genetics (formerly Invitae), Labcorp
Classification: Uncertain significance for Tuberous sclerosis 2. Last evaluated: 2025-05-12. Review status: criteria provided, single submitter. Criteria: Invitae Variant Classification Sherloc (09022015). Collection method: clinical testing. Allele origin: germline.
Comment: This sequence change replaces serine, which is neutral and polar, with threonine, which is neutral and polar, at codon 1698 of the TSC2 protein (p.Ser1698Thr). This variant is not present in population databases (gnomAD no frequency). This variant has not been reported in the literature in individuals affected with TSC2-related conditions. ClinVar contains an entry for this variant (Variation ID: 578397). Invitae Evidence Modeling of protein sequence and biophysical properties (such as structural, functional, and spatial information, amino acid conservation, physicochemical variation, residue mobility, and thermodynamic stability) indicates that this missense variant is not expected to disrupt TSC2 protein function with a negative predictive value of 95%. In summary, the available evidence is currently insufficient to determine the role of this variant in disease. Therefore, it has been classified as a Variant of Uncertain Significance.

Ambry Genetics
Classification: Uncertain significance for Hereditary cancer-predisposing syndrome. Last evaluated: 2025-03-31. Review status: criteria provided, single submitter. Criteria: Ambry Variant Classification Scheme 2023. Collection method: clinical testing. Allele origin: germline.
Comment: The p.S1698T variant (also known as c.5093G>C), located in coding exon 39 of the TSC2 gene, results from a G to C substitution at nucleotide position 5093. The serine at codon 1698 is replaced by threonine, an amino acid with similar properties. This amino acid position is conserved. In addition, the in silico prediction for this alteration is inconclusive. Based on the available evidence, the clinical significance of this variant remains unclear.

Baylor Genetics
Classification: Uncertain significance for Isolated focal cortical dysplasia type II. Last evaluated: 2023-05-11. Review status: criteria provided, single submitter. Criteria: ACMG Guidelines, 2015. Collection method: clinical testing. Allele origin: unknown.